The following is an entry in ClinVar:

NM_001145319.2(PLS1):c.805G>A (p.Glu269Lys)

Gene: PLS1 (plastin 1; plus strand). Cytogenetic location: 3q23.
Variant type: single nucleotide variant.
Coding change: c.805G>A on transcript NM_001145319.2 (MANE Select); coding-DNA position 805, G replaced by A.
Protein change: p.Glu269Lys; replaces glutamic acid 269 with lysine.
Molecular consequence: missense variant.
Genome position (GRCh38, 1-based): chr3:142,684,312, G>A. VCF-style: chr3-142684312-G-A. GRCh37 (hg19) VCF-style: chr3-142403154-G-A.
Other names: c.805G>A, p.Glu269Lys (NM_001172312.2, NM_002670.3); short protein forms E269K.
Identifiers: ClinVar variation 632608 (VCV000632608.11), dbSNP rs1577888985, ClinGen allele CA354830892.
Genomic context (GRCh38, chr3:142,684,312, plus strand): 5'-GCTCTGATTGCATTGTTAAATGAAGGTGAGGAACTAGAGGAGCTGATGAAGCTTTCTCCC[G>A]AGGAATTACTGCTGCGATGGGTGAACTACCATCTGACCAATGCAGGATGGCATACCATCA-3'
Protein context (NP_001138791.1, residues 259-279): ELEELMKLSP[Glu269Lys]ELLLRWVNYH

ClinVar aggregate classification (germline): Likely pathogenic. Review status: criteria provided, multiple submitters, no conflicts (2 of 4 stars). 6 submissions from 6 submitters: Likely pathogenic (4). 2 of the submissions do not count toward it. Last evaluated 2026-09-01.

Conditions:
Hearing loss, autosomal dominant 76. Also called: DEAFNESS, AUTOSOMAL DOMINANT 76. Identifiers: MedGen C5394080, MONDO:0032917, OMIM 618787.
Genetic hearing loss. Also called: Hereditary hearing disorder; Hereditary hearing loss. Identifiers: MedGen C0236038.
Autosomal dominant nonsyndromic hearing loss. Also called: Rare autosomal dominant non-syndromic sensorineural deafness type DFNA. Identifiers: Orphanet 90635, MedGen C5779548, MONDO:0019587.
Monogenic hearing loss.

Allele frequency attached by ClinVar (database versions not stated): gnomAD exomes below 0.00001.
gnomAD v4.1: 1 of 1,613,998 alleles (0.000062%); highest among the groups gnomAD compares: Non-Finnish European, 0.000085%; no homozygotes.

Submissions (6):

CeGaT Center for Human Genetics Tuebingen
Classification: Likely pathogenic. Last evaluated: 2026-09-01. Review status: criteria provided, single submitter. Criteria: CeGaT Center For Human Genetics Tuebingen Variant Classification Criteria Version 2. Collection method: clinical testing. Allele origin: germline. Affected: yes. Observed: 1 variant allele.
Comment: PLS1: PP1:Strong, PM2

Genetics Laboratory, Great Ormond Street Hospital NHS Foundation Trust, North Thames Genomic Laboratory Hub
Classification: Likely pathogenic for Monogenic hearing loss. Last evaluated: 2026-07-20. Review status: criteria provided, single submitter. Criteria: ACGS Best Practice Guidelines for Variant Classification in Rare Disease 2024 v1.2. Collection method: clinical testing. Allele origin: germline. Affected: yes.
Comment: PS4_moderate, PM2_moderate, PP3_supporting, PP1_strong

Cambridge Genomics Laboratory, East Genomic Laboratory Hub, NHS Genomic Medicine Service
Classification: Likely pathogenic for Autosomal dominant nonsyndromic hearing loss. Last evaluated: 2020-07-13. Review status: criteria provided, single submitter. Criteria: ACGS Best Practice Guidelines for Variant Classification in Rare Disease 2020. Collection method: clinical testing. Allele origin: germline. Affected: yes. Observed: 1 variant allele.

Juno Genomics, Hangzhou Juno Genomics, Inc
Classification: Likely pathogenic for Hearing loss, autosomal dominant 76. Review status: criteria provided, single submitter. Criteria: ACMG Guidelines, 2015. Collection method: clinical testing. Allele origin: germline. Affected: yes.
Comment: Absent from controls (or at extremely low frequency if recessive) in Genome Aggregation Database.;The prevalence of the variant in affected individuals is significantly increased compared to the prevalence in controls.;Co-segregation with disease in multiple affected family members.;Multiple lines of computational evidence support a deleterious effect on the gene or gene product.

OMIM
Classification: Pathogenic for DEAFNESS, AUTOSOMAL DOMINANT 76. Last evaluated: 2020-02-26. Review status: no assertion criteria provided. Collection method: literature only. Allele origin: germline. Not counted in ClinVar's aggregate classification.

Laboratory of Medical Genetics, IRCCS Burlo Garofolo
Classification: Uncertain significance for Hereditary hearing loss and deafness. Last evaluated: 2019-05-29. Review status: no assertion criteria provided. Collection method: clinical testing. Allele origin: germline. Inheritance: Autosomal dominant inheritance. Affected: yes. Observed: 3 variant alleles. Not counted in ClinVar's aggregate classification.

Literature cited by the submitters: PubMed 31397523 (cited by OMIM); PubMed 31432506 (cited by OMIM).